The following is an entry in ClinVar:

ClinVar aggregate classification (germline): Pathogenic. Review status: criteria provided, multiple submitters, no conflicts (2 of 4 stars). 3 submissions from 3 submitters: Pathogenic (3). Last evaluated 2022-07-18.

Conditions:
Severe early-childhood-onset retinal dystrophy (STGD1). Also called: Stargardt macular dystrophy; Juvenile onset macular degeneration; Stargardt disease 1; MACULAR DYSTROPHY WITH FLECKS, TYPE 1; STGD. Identifiers: Orphanet 364055, Orphanet 827, MedGen C1855465, MeSH D000080362, MONDO:0009549, OMIM 248200.
Retinal dystrophy. Also called: Inherited retinal dystrophy. Identifiers: Orphanet 71862, MedGen C0854723, MeSH D058499, MONDO:0019118, HP:0000556.

Submissions (3):

Labcorp Genetics (formerly Invitae), Labcorp
Classification: Pathogenic. Last evaluated: 2022-07-18. Review status: criteria provided, single submitter. Criteria: Invitae Variant Classification Sherloc (09022015). Collection method: clinical testing. Allele origin: germline.
Comment: For these reasons, this variant has been classified as Pathogenic. Algorithms developed to predict the effect of sequence changes on RNA splicing suggest that this variant may create or strengthen a splice site. ClinVar contains an entry for this variant (Variation ID: 1069499). This variant is also known as p.G691VfsX6. This premature translational stop signal has been observed in individual(s) with clinical features of ABCA4-related conditions (PMID: 23591405, 26024099). This variant is not present in population databases (gnomAD no frequency). This sequence change creates a premature translational stop signal (p.Gly690Valfs*6) in the ABCA4 gene. It is expected to result in an absent or disrupted protein product. Loss-of-function variants in ABCA4 are known to be pathogenic (PMID: 10958761, 24938718, 25312043, 26780318).

MGZ Medical Genetics Center
Classification: Pathogenic for Severe early-childhood-onset retinal dystrophy. Last evaluated: 2022-04-29. Review status: criteria provided, single submitter. Criteria: ACMG Guidelines, 2015. Collection method: clinical testing. Allele origin: germline. Affected: yes. Observed: 1 variant allele.
Comment: ACMG criteria applied: PVS1, PS4_MOD, PM3, PM2_SUP

Institute of Human Genetics, Univ. Regensburg, Univ. Regensburg
Classification: Pathogenic for Retinal dystrophy. Last evaluated: 2022-01-01. Review status: criteria provided, single submitter. Criteria: ACMG Guidelines, 2015. Collection method: clinical testing. Allele origin: germline. Affected: yes.

Literature cited by the submitters: PubMed 23591405 (cited by Labcorp Genetics (formerly Invitae), Labcorp and Institute of Human Genetics, Univ. Regensburg, Univ. Regensburg); PubMed 26024099 (cited by Labcorp Genetics (formerly Invitae), Labcorp); PubMed 10958761 (cited by Labcorp Genetics (formerly Invitae), Labcorp); PubMed 24938718 (cited by Labcorp Genetics (formerly Invitae), Labcorp); PubMed 25312043 (cited by Labcorp Genetics (formerly Invitae), Labcorp); PubMed 26780318 (cited by Labcorp Genetics (formerly Invitae), Labcorp); PubMed 3253185 (cited by Institute of Human Genetics, Univ. Regensburg, Univ. Regensburg).

NM_000350.3(ABCA4):c.2069del (p.Gly690fs)

Gene: ABCA4 (ATP binding cassette subfamily A member 4; minus strand). Cytogenetic location: 1p22.1.
Variant type: Deletion.
Coding change: c.2069del on transcript NM_000350.3 (MANE Select); coding-DNA position 2069, one base deleted (G; older notation c.2069delG).
Protein change: p.Gly690fs; shifts the reading frame from glycine 690.
Molecular consequence: frameshift variant.
Genome position (GRCh38, 1-based): chr1:94,060,628, C deleted on the plus strand (G on the coding strand, the reverse complement: ABCA4 is on the minus strand); the first of 3 consecutive C bases (chr1:94,060,628-94,060,630); deleting any one gives the same sequence. VCF-style (leftmost placement, unchanged base first): chr1-94060627-AC-A. GRCh37 (hg19) VCF-style: chr1-94526183-AC-A.
Other names: c.2067delG, p.Gly690Valfs (NM_001425324.1); short protein forms G690fs.
Identifiers: ClinVar variation 1069499 (VCV001069499.12), dbSNP rs2101075191, ClinGen allele CA645372173.
Genomic context (GRCh38, chr1:94,060,627, plus strand): 5'-CATCGACATGATGGAGAAGCTGTCCAGGAACCAGGTACACCAAATCACTGCATTGGAGAC[AC>A]CCTGATTTTTCAAGGTCTCCTTCAGTCGCAACTCCTTCTCCAAGACGATGCTCTTCACAG-3'